The following is an entry in ClinVar:

ClinVar aggregate classification (germline): Uncertain significance (1 of 4 stars; one submission).

Conditions:
Glycogen storage disease IXa1. Also called: LIVER GLYCOGENOSIS, X-LINKED, TYPE I; GLYCOGEN STORAGE DISEASE VIII; GSD VIII; Glycogen storage disease 8. Identifiers: Orphanet 264580, MedGen C3694531, MONDO:0010598, OMIM 306000.

Submission:

Laboratorio de Biologia Molecular - Genetica, Hospital de Pediatria Garrahan
Classification: Uncertain significance for Glycogen storage disease IXa1. Last evaluated: 2026-05-20. Review status: criteria provided, single submitter. Criteria: ACMG Guidelines, 2015. Collection method: clinical testing. Allele origin: germline. Affected: yes. Observed: 1 variant allele.
Comment: This sequence change replaces glycine, which is neutral and non-polar, with arginine, which is basic and polar, at codon 203 of the phosphorylase kinase regulatory subunit alpha-2 protein (p.Gly203Arg). This variant is predicted to be deleterious by computational evidence, with a Revel score of 0.96 (PP4).This variant is not present in population databases (gnomAD no frequency) (PM2_supporting). This variant has not been reported in the literature in individuals affected with PHKA2-related conditions. In summary, the available evidence is currently insufficient to determine the role of this variant in disease. Therefore, it has been classified as a Variant of Uncertain Significance.

NM_000292.3(PHKA2):c.607G>A (p.Gly203Arg)

Gene: PHKA2 (phosphorylase kinase regulatory subunit alpha 2; minus strand). Cytogenetic location: Xp22.13.
Variant type: single nucleotide variant.
Coding change: c.607G>A on transcript NM_000292.3 (MANE Select); coding-DNA position 607, G replaced by A.
Protein change: p.Gly203Arg; replaces glycine 203 with arginine.
Molecular consequence: missense variant.
Genome position (GRCh38, 1-based): chrX:18,945,089, C>T on the plus strand (G>A on the coding strand, the complement: PHKA2 is on the minus strand). VCF-style: chrX-18945089-C-T. GRCh37 (hg19) VCF-style: chrX-18963207-C-T.
Other names: c.607G>A, p.Gly203Arg (NM_001440800.1, NM_001440801.1, NM_001440802.1 and 3 more transcripts); short protein forms G203R.
Identifiers: ClinVar variation 4871738 (VCV004871738.1).
Genomic context (GRCh38, chrX:18,945,089, plus strand): 5'-CAAAGCAGTAAAAACATGCAGAAGGAAGAACAAACAGGACAACTGTCACCTTGGCCATTC[C>T]TACGGAGCTTGCATTCAATTCCGGGATGCCCTGATTAGTCTTATCTCCACGCTCCCACAT-3'
Protein context (NP_000283.1, residues 193-213): GIPELNASSV[Gly203Arg]MAKAALEAID